The following is an entry in ClinVar:

NM_007194.4(CHEK2):c.964G>C (p.Ala322Pro)

Gene: CHEK2 (checkpoint kinase 2; minus strand). Cytogenetic location: 22q12.1.
Variant type: single nucleotide variant.
Coding change: c.964G>C on transcript NM_007194.4 (MANE Select); coding-DNA position 964, G replaced by C.
Protein change: p.Ala322Pro; replaces alanine 322 with proline.
Molecular consequence: missense variant.
Genome position (GRCh38, 1-based): chr22:28,699,882, C>G on the plus strand (G>C on the coding strand, the complement: CHEK2 is on the minus strand). VCF-style: chr22-28699882-C-G. GRCh37 (hg19) VCF-style: chr22-29095870-C-G.
Other names: c.1093G>C, p.Ala365Pro (NM_001005735.3); c.301G>C, p.Ala101Pro (NM_001257387.3); c.763G>C, p.Ala255Pro (NM_001349956.3); c.964G>C, p.Ala322Pro (NM_145862.3); short protein forms A255P, A322P, A365P, A101P.
Identifiers: ClinVar variation 3266970 (VCV003266970.2).

ClinVar aggregate classification (germline): Uncertain significance. Review status: criteria provided, multiple submitters, no conflicts (2 of 4 stars). 2 submissions from 2 submitters: Uncertain significance (2). Last evaluated 2025-12-10.

Conditions:
Hereditary cancer-predisposing syndrome. Also called: Hereditary Cancer Syndrome; Tumor predisposition; Hereditary neoplastic syndrome; Neoplastic Syndromes, Hereditary. Identifiers: Orphanet 140162, MedGen C0027672, MeSH D009386, MONDO:0015356.
Familial cancer of breast. Also called: BREAST CANCER, FAMILIAL; Hereditary breast cancer; hereditary breast carcinoma. Identifiers: Orphanet 227535, MedGen C0346153, MONDO:0016419, OMIM 114480. Disease mechanism: loss of function.

gnomAD v4.1: 1 of 1,614,096 alleles (0.000062%); highest among the groups gnomAD compares: African/African-American, 0.0013%; no homozygotes.

Submissions (2):

Labcorp Genetics (formerly Invitae), Labcorp
Classification: Uncertain significance for Familial cancer of breast. Last evaluated: 2025-12-10. Review status: criteria provided, single submitter. Criteria: Invitae Variant Classification Sherloc (09022015). Collection method: clinical testing. Allele origin: germline.
Comment: This sequence change replaces alanine, which is neutral and non-polar, with proline, which is neutral and non-polar, at codon 322 of the CHEK2 protein (p.Ala322Pro). This variant is not present in population databases (gnomAD no frequency). This variant has not been reported in the literature in individuals affected with CHEK2-related conditions. ClinVar contains an entry for this variant (Variation ID: 3266970). An algorithm developed to predict the effect of missense changes on protein structure and function (PolyPhen-2) suggests that this variant is likely to be tolerated. In summary, the available evidence is currently insufficient to determine the role of this variant in disease. Therefore, it has been classified as a Variant of Uncertain Significance.

Ambry Genetics
Classification: Uncertain significance for Hereditary cancer-predisposing syndrome. Last evaluated: 2024-05-25. Review status: criteria provided, single submitter. Criteria: Ambry Variant Classification Scheme 2023. Collection method: clinical testing. Allele origin: germline.
Comment: The p.A322P variant (also known as c.964G>C), located in coding exon 8 of the CHEK2 gene, results from a G to C substitution at nucleotide position 964. The alanine at codon 322 is replaced by proline, an amino acid with highly similar properties. This amino acid position is conserved. In addition, the in silico prediction for this alteration is inconclusive. Based on the available evidence, the clinical significance of this variant remains unclear.